The following is an entry in ClinVar:

NM_198578.4(LRRK2):c.563T>A (p.Phe188Tyr)

Gene: LRRK2 (leucine rich repeat kinase 2; plus strand). Cytogenetic location: 12q12.
Variant type: single nucleotide variant.
Coding change: c.563T>A on transcript NM_198578.4 (MANE Select); coding-DNA position 563, T replaced by A.
Protein change: p.Phe188Tyr; replaces phenylalanine 188 with tyrosine.
Molecular consequence: missense variant.
Genome position (GRCh38, 1-based): chr12:40,238,095, T>A. VCF-style: chr12-40238095-T-A. GRCh37 (hg19) VCF-style: chr12-40631897-T-A.
Other names: short protein forms F188Y.
Identifiers: ClinVar variation 2140902 (VCV002140902.4), dbSNP rs551650159, ClinGen allele CA6513123.

ClinVar aggregate classification (germline): Uncertain significance (1 of 4 stars; one submission).

Conditions:
Autosomal dominant Parkinson disease 8. Also called: LRRK2-Related Parkinson Disease; Parkinson disease 8; Parkinson disease 8, susceptibility to. Identifiers: Orphanet 411602, MedGen C1846862, MONDO:0011764, OMIM 607060.

gnomAD v4.1: 4 of 1,613,430 alleles (0.00025%); highest among the groups gnomAD compares: Admixed American, 0.0067%; no homozygotes.

Submission:

Labcorp Genetics (formerly Invitae), Labcorp
Classification: Uncertain significance for Autosomal dominant Parkinson disease 8. Last evaluated: 2025-09-03. Review status: criteria provided, single submitter. Criteria: Invitae Variant Classification Sherloc (09022015). Collection method: clinical testing. Allele origin: germline.
Comment: This sequence change replaces phenylalanine, which is neutral and non-polar, with tyrosine, which is neutral and polar, at codon 188 of the LRRK2 protein (p.Phe188Tyr). This variant is present in population databases (rs551650159, gnomAD 0.009%). This missense change has been observed in individual(s) with Parkinson disease (PMID: 29887346). ClinVar contains an entry for this variant (Variation ID: 2140902). Invitae Evidence Modeling of protein sequence and biophysical properties (such as structural, functional, and spatial information, amino acid conservation, physicochemical variation, residue mobility, and thermodynamic stability) has been performed for this missense variant. However, the output from this modeling did not meet the statistical confidence thresholds required to predict the impact of this variant on LRRK2 protein function. In summary, the available evidence is currently insufficient to determine the role of this variant in disease. Therefore, it has been classified as a Variant of Uncertain Significance.

Literature cited by the submitters: PubMed 29887346.